The following is an entry in ClinVar:

ClinVar aggregate classification (germline): Uncertain significance (1 of 4 stars; one submission).

Conditions:
Renal cell carcinoma. Identifiers: Orphanet 217071, MedGen C0007134, MeSH D002292, MONDO:0005086, HP:0005584.

Allele frequency attached by ClinVar (database versions not stated): gnomAD exomes below 0.00001.
gnomAD v4.1: 1 of 1,614,016 alleles (0.000062%); highest among the groups gnomAD compares: Non-Finnish European, 0.000085%; no homozygotes.

Submission:

Labcorp Genetics (formerly Invitae), Labcorp
Classification: Uncertain significance for Renal cell carcinoma. Last evaluated: 2020-01-30. Review status: criteria provided, single submitter. Criteria: Invitae Variant Classification Sherloc (09022015). Collection method: clinical testing. Allele origin: germline.
Comment: In summary, the available evidence is currently insufficient to determine the role of this variant in disease. Therefore, it has been classified as a Variant of Uncertain Significance. Algorithms developed to predict the effect of missense changes on protein structure and function (SIFT, PolyPhen-2, Align-GVGD) all suggest that this variant is likely to be disruptive, but these predictions have not been confirmed by published functional studies and their clinical significance is uncertain. This variant has not been reported in the literature in individuals with MET-related conditions. This variant is not present in population databases (ExAC no frequency). This sequence change replaces glutamic acid with lysine at codon 1145 of the MET protein (p.Glu1145Lys). The glutamic acid residue is highly conserved and there is a small physicochemical difference between glutamic acid and lysine.

NM_000245.4(MET):c.3379G>A (p.Glu1127Lys)

Gene: MET (MET proto-oncogene, receptor tyrosine kinase; plus strand). Cytogenetic location: 7q31.2.
Variant type: single nucleotide variant.
Coding change: c.3379G>A on transcript NM_000245.4 (MANE Select); coding-DNA position 3379, G replaced by A.
Protein change: p.Glu1127Lys; replaces glutamic acid 1127 with lysine.
Molecular consequence: missense variant.
Genome position (GRCh38, 1-based): chr7:116,778,814, G>A. VCF-style: chr7-116778814-G-A. GRCh37 (hg19) VCF-style: chr7-116418868-G-A.
Other names: c.3433G>A, p.Glu1145Lys (NM_001127500.3); c.2089G>A, p.Glu697Lys (NM_001324402.2); short protein forms E1127K, E1145K, E697K.
Identifiers: ClinVar variation 1055254 (VCV001055254.9), dbSNP rs1158021755, ClinGen allele CA368990021.